The following is an entry in ClinVar:

NM_016219.5(MAN1B1):c.1507G>A (p.Glu503Lys)

Gene: MAN1B1 (mannosidase alpha class 1B member 1; plus strand). Cytogenetic location: 9q34.3.
Variant type: single nucleotide variant.
Coding change: c.1507G>A on transcript NM_016219.5 (MANE Select); coding-DNA position 1507, G replaced by A.
Protein change: p.Glu503Lys; replaces glutamic acid 503 with lysine.
Molecular consequence: missense variant. On other transcripts: non-coding transcript variant (2).
Genome position (GRCh38, 1-based): chr9:137,106,750, G>A. VCF-style: chr9-137106750-G-A. GRCh37 (hg19) VCF-style: chr9-140001202-G-A.
Other names: c.1507G>A (NM_016219.3); short protein forms E503K.
Identifiers: ClinVar variation 571450 (VCV000571450.14), dbSNP rs757690679, ClinGen allele CA5359257.

ClinVar aggregate classification (germline): Uncertain significance. Review status: criteria provided, multiple submitters, no conflicts (2 of 4 stars). 3 submissions from 3 submitters: Uncertain significance (3). Last evaluated 2023-11-07.

Conditions:
Inborn genetic diseases. Identifiers: MedGen C0950123, MeSH D030342.
Rafiq syndrome (RAFQS). Identifiers: Orphanet 88616, MedGen C3280127, MONDO:0013624, OMIM 614202.

Allele frequency attached by ClinVar (database versions not stated): TOPMed 0.00002; gnomAD 0.00004.
gnomAD v4.1: 71 of 1,613,348 alleles (0.0044%); highest among the groups gnomAD compares: Admixed American, 0.0067%; no homozygotes.

Submissions (3):

Labcorp Genetics (formerly Invitae), Labcorp
Classification: Uncertain significance for Rafiq syndrome. Last evaluated: 2023-11-07. Review status: criteria provided, single submitter. Criteria: Invitae Variant Classification Sherloc (09022015). Collection method: clinical testing. Allele origin: germline.
Comment: This sequence change replaces glutamic acid, which is acidic and polar, with lysine, which is basic and polar, at codon 503 of the MAN1B1 protein (p.Glu503Lys). This variant is present in population databases (rs757690679, gnomAD 0.009%). This variant has not been reported in the literature in individuals affected with MAN1B1-related conditions. ClinVar contains an entry for this variant (Variation ID: 571450). An algorithm developed to predict the effect of missense changes on protein structure and function (PolyPhen-2) suggests that this variant is likely to be tolerated. In summary, the available evidence is currently insufficient to determine the role of this variant in disease. Therefore, it has been classified as a Variant of Uncertain Significance.

Ambry Genetics
Classification: Uncertain significance for Inborn genetic diseases. Last evaluated: 2023-04-25. Review status: criteria provided, single submitter. Criteria: Ambry Variant Classification Scheme 2023. Collection method: clinical testing. Allele origin: germline.

Illumina Laboratory Services, Illumina
Classification: Uncertain significance for Rafiq syndrome. Last evaluated: 2018-03-16. Review status: criteria provided, single submitter. Criteria: ICSL Variant Classification Criteria 13 December 2019. Collection method: clinical testing. Allele origin: germline.